The following is an entry in ClinVar:

ClinVar aggregate classification (germline): Conflicting classifications of pathogenicity. Review status: criteria provided, conflicting classifications (1 of 4 stars). 2 submissions from 2 submitters: Uncertain significance (1); Likely benign (1). Last evaluated 2023-12-11.

Conditions:
Inborn genetic diseases. Identifiers: MedGen C0950123, MeSH D030342.

Allele frequency attached by ClinVar (database versions not stated): TOPMed 0.00001; gnomAD 0.00002; 1000 Genomes Project 30x 0.00016; 1000 Genomes Project 0.00020.
gnomAD v4.1: 77 of 1,613,746 alleles (0.0048%); highest among the groups gnomAD compares: South Asian, 0.075%; no homozygotes.

Submissions (2):

Labcorp Genetics (formerly Invitae), Labcorp
Classification: Uncertain significance. Last evaluated: 2023-12-11. Review status: criteria provided, single submitter. Criteria: Invitae Variant Classification Sherloc (09022015). Collection method: clinical testing. Allele origin: germline.
Comment: This sequence change replaces valine, which is neutral and non-polar, with leucine, which is neutral and non-polar, at codon 74 of the RNF168 protein (p.Val74Leu). This variant is present in population databases (rs575170766, gnomAD 0.06%). This variant has not been reported in the literature in individuals affected with RNF168-related conditions. ClinVar contains an entry for this variant (Variation ID: 2151198). Algorithms developed to predict the effect of missense changes on protein structure and function output the following: SIFT: "Not Available"; PolyPhen-2: "Benign"; Align-GVGD: "Not Available". The leucine amino acid residue is found in multiple mammalian species, which suggests that this missense change does not adversely affect protein function. In summary, the available evidence is currently insufficient to determine the role of this variant in disease. Therefore, it has been classified as a Variant of Uncertain Significance.

Ambry Genetics
Classification: Likely benign for Inborn genetic diseases. Last evaluated: 2022-06-24. Review status: criteria provided, single submitter. Criteria: Ambry Variant Classification Scheme 2023. Collection method: clinical testing. Allele origin: germline.

NM_152617.4(RNF168):c.220G>C (p.Val74Leu)

Gene: RNF168 (ring finger protein 168; minus strand). Cytogenetic location: 3q29.
Variant type: single nucleotide variant.
Coding change: c.220G>C on transcript NM_152617.4 (MANE Select); coding-DNA position 220, G replaced by C.
Protein change: p.Val74Leu; replaces valine 74 with leucine.
Molecular consequence: missense variant.
Genome position (GRCh38, 1-based): chr3:196,502,954, C>G on the plus strand (G>C on the coding strand, the complement: RNF168 is on the minus strand). VCF-style: chr3-196502954-C-G. GRCh37 (hg19) VCF-style: chr3-196229825-C-G.
Other names: short protein forms V74L.
Identifiers: ClinVar variation 2151198 (VCV002151198.3), dbSNP rs575170766, ClinGen allele CA2781021.
Genomic context (GRCh38, chr3:196,502,954, plus strand): 5'-CAGACGCTCTAAGCTTGCACTCCCTGGGATAGTGTTTTTGAATTATCGTCCACAGTTCCA[C>G]GTTGACGAGAGAATTTCTTCGGGTATGGTACCGAGTCCACGACGATACCCGGCGGCGACA-3'
Protein context (NP_689830.2, residues 64-84): YHTRRNSLVN[Val74Leu]ELWTIIQKHY